The following is an entry in ClinVar:

NM_000379.4(XDH):c.397G>A (p.Glu133Lys)

Gene: XDH (xanthine dehydrogenase; minus strand). Cytogenetic location: 2p23.1.
Variant type: single nucleotide variant.
Coding change: c.397G>A on transcript NM_000379.4 (MANE Select); coding-DNA position 397, G replaced by A.
Protein change: p.Glu133Lys; replaces glutamic acid 133 with lysine.
Molecular consequence: missense variant.
Genome position (GRCh38, 1-based): chr2:31,398,609, C>T on the plus strand (G>A on the coding strand, the complement: XDH is on the minus strand). VCF-style: chr2-31398609-C-T. GRCh37 (hg19) VCF-style: chr2-31621475-C-T.
Other names: short protein forms E133K.
Identifiers: ClinVar variation 715376 (VCV000715376.17), dbSNP rs45447191, ClinGen allele CA1599656.

ClinVar aggregate classification (germline): Benign/Likely benign. Review status: criteria provided, multiple submitters, no conflicts (2 of 4 stars). 6 submissions from 6 submitters: Benign (3); Likely benign (3). Last evaluated 2026-01-19.

Conditions:
Hereditary xanthinuria type 1 (XAN1). Identifiers: Orphanet 3467, Orphanet 93601, MedGen C0268118, MONDO:0010209, OMIM 278300.
XDH-related disorder. Also called: XDH-related condition.
Xanthinuria type II. Also called: Xanthine dehydrogenase and aldehyde oxidase combined deficiency of; XDH and AOX dual deficiency. Identifiers: Orphanet 3467, Orphanet 93602, MedGen C1863688, MONDO:0011346, OMIM 603592.

Allele frequency attached by ClinVar (database versions not stated): gnomAD exomes 0.00096; ExAC 0.00120; gnomAD 0.00346 and 0.00362; ESP Exome Variant Server 0.00384; TOPMed 0.00386; 1000 Genomes Project 0.00539; 1000 Genomes Project 30x 0.00656.
gnomAD v4.1: 1,091 of 1,614,108 alleles (0.068%); highest among the groups gnomAD compares: African/African-American, 1.2%; 6 homozygotes.

Submissions (6):

Labcorp Genetics (formerly Invitae), Labcorp
Classification: Benign for Xanthinuria type II. Last evaluated: 2026-01-19. Review status: criteria provided, single submitter. Criteria: Invitae Variant Classification Sherloc (09022015). Collection method: clinical testing. Allele origin: germline.

PreventionGenetics, part of Exact Sciences
Classification: Benign for XDH-related condition. Last evaluated: 2025-06-24. Review status: criteria provided, single submitter. Criteria: ACMG Guidelines, 2015. Collection method: clinical testing. Allele origin: germline.
Comment: This variant is classified as benign based on ACMG/AMP sequence variant interpretation guidelines (Richards et al. 2015 PMID: 25741868, with internal and published modifications).

Blueprint Genetics
Classification: Likely benign. Last evaluated: 2024-11-13. Review status: criteria provided, single submitter. Criteria: ACMG Guidelines, 2015. Collection method: clinical testing. Allele origin: germline.

Genome-Nilou Lab
Classification: Benign for Hereditary xanthinuria type 1. Last evaluated: 2021-12-05. Review status: criteria provided, single submitter. Criteria: ACMG Guidelines, 2015. Collection method: clinical testing. Allele origin: germline. Affected: no.

Illumina Laboratory Services, Illumina
Classification: Likely benign for Hereditary xanthinuria type 1. Last evaluated: 2018-01-12. Review status: criteria provided, single submitter. Criteria: ICSL Variant Classification Criteria 13 December 2019. Collection method: clinical testing. Allele origin: germline.
Comment: This variant was observed in the ICSL laboratory as part of a predisposition screen in an ostensibly healthy population. It had not been previously curated by ICSL or reported in the Human Gene Mutation Database (HGMD: prior to June 1st, 2018), and was therefore a candidate for classification through an automated scoring system. Utilizing variant allele frequency, disease prevalence and penetrance estimates, and inheritance mode, an automated score was calculated to assess if this variant is too frequent to cause the disease. Based on the score and internal cut-off values, a variant classified as likely benign is not then subjected to further curation. The score for this variant resulted in a classification of likely benign for this disease.

Breakthrough Genomics
Classification: Likely benign. Review status: criteria provided, single submitter. Criteria: ACMG Guidelines, 2015. Collection method: not provided. Allele origin: germline. Inheritance: Autosomal recessive inheritance. Affected: yes.